The following is an entry in ClinVar:

ClinVar aggregate classification (germline): Conflicting classifications of pathogenicity. Review status: criteria provided, conflicting classifications (1 of 4 stars). 2 submissions from 2 submitters: Uncertain significance (1); Likely benign (1). Last evaluated 2023-02-01.

Conditions:
Inborn genetic diseases. Identifiers: MedGen C0950123, MeSH D030342.

Allele frequency attached by ClinVar (database versions not stated): gnomAD exomes 0.00001; TOPMed 0.00002; ExAC 0.00003; gnomAD 0.00003.

Submissions (2):

CeGaT Center for Human Genetics Tuebingen
Classification: Likely benign. Last evaluated: 2023-02-01. Review status: criteria provided, single submitter. Criteria: CeGaT Center For Human Genetics Tuebingen Variant Classification Criteria Version 2. Collection method: clinical testing. Allele origin: germline. Affected: yes. Observed: 1 variant allele.
Comment: KCTD3: BP4

Ambry Genetics
Classification: Uncertain significance for Inborn genetic diseases. Last evaluated: 2022-05-11. Review status: criteria provided, single submitter. Criteria: Ambry Variant Classification Scheme 2023. Collection method: clinical testing. Allele origin: germline.

NM_016121.5(KCTD3):c.2171G>C (p.Ser724Thr)

Gene: KCTD3 (potassium channel tetramerization domain containing 3; plus strand). Cytogenetic location: 1q41.
Variant type: single nucleotide variant.
Coding change: c.2171G>C on transcript NM_016121.5 (MANE Select); coding-DNA position 2171, G replaced by C.
Protein change: p.Ser724Thr; replaces serine 724 with threonine.
Molecular consequence: missense variant.
Genome position (GRCh38, 1-based): chr1:215,620,341, G>C. VCF-style: chr1-215620341-G-C. GRCh37 (hg19) VCF-style: chr1-215793683-G-C.
Other names: c.2165G>C, p.Ser722Thr (NM_001319294.2); c.1859G>C, p.Ser620Thr (NM_001319295.2); short protein forms S724T, S620T, S722T.
Identifiers: ClinVar variation 2228401 (VCV002228401.26), dbSNP rs763263618, ClinGen allele CA1392524.